The following is an entry in ClinVar:

NM_001983.4(ERCC1):c.466C>T (p.Arg156Trp)

Gene: ERCC1 (ERCC excision repair 1, endonuclease non-catalytic subunit; minus strand). Cytogenetic location: 19q13.32.
Variant type: single nucleotide variant.
Coding change: c.466C>T on transcript NM_001983.4 (MANE Select); coding-DNA position 466, C replaced by T.
Protein change: p.Arg156Trp; replaces arginine 156 with tryptophan.
Molecular consequence: missense variant.
Genome position (GRCh38, 1-based): chr19:45,419,157, G>A on the plus strand (C>T on the coding strand, the complement: ERCC1 is on the minus strand). VCF-style: chr19-45419157-G-A. GRCh37 (hg19) VCF-style: chr19-45922415-G-A.
Other names: c.466C>T, p.Arg156Trp (NM_001166049.2, NM_001369408.1, NM_001369409.1 and 11 more transcripts); short protein forms R156W.
Identifiers: ClinVar variation 978472 (VCV000978472.13), dbSNP rs757369063, ClinGen allele CA9515424.

ClinVar aggregate classification (germline): Conflicting classifications of pathogenicity. Review status: criteria provided, conflicting classifications (1 of 4 stars). 7 submissions from 7 submitters: Pathogenic (3); Likely pathogenic (3); Uncertain significance (1). Last evaluated 2025-09-19.

Conditions:
ERCC1-related disorders.
ERCC1-related disorder. Also called: ERCC1-related condition.
Cerebrooculofacioskeletal syndrome 4 (COFS4). Identifiers: MedGen C1853100, MONDO:0012554, OMIM 610758.
Failure to thrive. Also called: Pediatric failure to thrive. Identifiers: MedGen C2315100, HP:0001508.
Cholestatic liver disease. Identifiers: MedGen C0860204, HP:0002611.
Premature menopause. Identifiers: MedGen C0025322, MONDO:0001119.
Global proximal tubulopathy. Identifiers: MedGen C4022839, HP:0012573.
Cutaneous photosensitivity. Also called: Skin sensitivity to sun. Identifiers: MedGen C0349506, MONDO:0005434, HP:0000992.

Allele frequency attached by ClinVar (database versions not stated): gnomAD 0.00007; gnomAD exomes 0.00014 and 0.00010; ExAC 0.00018; TOPMed 0.00007.

Submissions (7):

First Genomix Gene Laboratory, Genetic Diagnostics Department
Classification: Pathogenic for Cerebrooculofacioskeletal syndrome 4. Last evaluated: 2025-09-19. Review status: criteria provided, single submitter. Criteria: ACMG Guidelines, 2015. Collection method: clinical testing. Allele origin: germline. Inheritance: Autosomal recessive inheritance. Affected: no. Observed: 1 variant allele.

GeneDx
Classification: Pathogenic. Last evaluated: 2025-08-25. Review status: criteria provided, single submitter. Criteria: GeneDx Variant Classification Process June 2021. Collection method: clinical testing. Allele origin: germline. Affected: yes.
Comment: Published functional studies demonstrate a damaging effect with significantly reduced protein levels of ERCC1 (PMID: 33315086); In silico analysis supports that this missense variant has a deleterious effect on protein structure/function; This variant is associated with the following publications: (PMID: 33315086)

PreventionGenetics, part of Exact Sciences
Classification: Likely pathogenic for ERCC1-related condition. Last evaluated: 2025-07-24. Review status: criteria provided, single submitter. Criteria: ACMG Guidelines, 2015. Collection method: clinical testing. Allele origin: germline.
Comment: The ERCC1 c.466C>T variant is predicted to result in the amino acid substitution p.Arg156Trp. This variant has been reported in the compound heterozygous state in at least 4 individuals from 2 families with photosensitivity, short stature, hepatocellular carcinoma, and progressive liver and kidney dysfunction (Apelt et al. 2021. PubMed ID: 33315086, Sullivan et al. within Boycott and Innes 2019. PubMed ID: 30724471). Experimental studies indicated this variant impacts protein function and DNA damage repair (Apelt et al. 2021. PubMed ID: 33315086). This variant is reported in 0.018% of alleles in individuals of European (non-Finnish) descent in gnomAD. This variant is interpreted as likely pathogenic.

Blueprint Genetics
Classification: Likely pathogenic for ERCC1-related disorders. Last evaluated: 2024-08-29. Review status: criteria provided, single submitter. Criteria: ACMG Guidelines, 2015. Collection method: clinical testing. Allele origin: germline. Affected: yes. Observed: 5 variant alleles.

Labcorp Genetics (formerly Invitae), Labcorp
Classification: Uncertain significance. Last evaluated: 2022-02-21. Review status: criteria provided, single submitter. Criteria: Invitae Variant Classification Sherloc (09022015). Collection method: clinical testing. Allele origin: germline.
Comment: This sequence change replaces arginine, which is basic and polar, with tryptophan, which is neutral and slightly polar, at codon 156 of the ERCC1 protein (p.Arg156Trp). The frequency data for this variant in the population databases is considered unreliable, as metrics indicate poor data quality at this position in the gnomAD database. This missense change has been observed in individual(s) with Cockayne and cerebrooculofacioskeletal syndrome (PMID: 33315086). In at least one individual the data is consistent with being in trans (on the opposite chromosome) from a pathogenic variant. It has also been observed to segregate with disease in related individuals. ClinVar contains an entry for this variant (Variation ID: 978472). Algorithms developed to predict the effect of missense changes on protein structure and function (SIFT, PolyPhen-2, Align-GVGD) all suggest that this variant is likely to be disruptive. Experimental studies have shown that this missense change affects ERCC1 function (PMID: 33315086). In summary, the available evidence is currently insufficient to determine the role of this variant in disease. Therefore, it has been classified as a Variant of Uncertain Significance.

Greenwood Genetic Center Diagnostic Laboratories, Greenwood Genetic Center
Classification: Likely pathogenic. Last evaluated: 2021-03-11. Review status: criteria provided, single submitter. Criteria: ACMG Guidelines, 2015. Collection method: clinical testing. Allele origin: germline. Affected: yes.
Comment: PS3, PP3, PM2, PM3

Victorian Clinical Genetics Services, Murdoch Childrens Research Institute
Classification: Pathogenic for Failure to thrive; Cutaneous photosensitivity; Global proximal tubulopathy; Cholestatic liver disease; Premature ovarian insufficiency. Last evaluated: 2018-09-10. Review status: criteria provided, single submitter. Criteria: ACMG Guidelines, 2015. Collection method: clinical testing. Allele origin: paternal. Inheritance: Autosomal recessive inheritance. Affected: yes.
Comment: A hemizygous missense variant, NM_202001.2(ERCC1):c.466C>T, has been identified in exon 4 of 8 of the ERCC1 gene. The variant is predicted to result in a major amino acid change from arginine to tryptophan at position 156 of the protein, NP_973730.1(ERCC1):p.(Arg156Trp). The arginine residue at this position has very high conservation (100 vertebrates, UCSC), and is located within the RAD10 superfamily functional domain. In silico predictions for this variant are consistently pathogenic (Polyphen, SIFT, CADD, Mutation Taster). The variant is present in the gnomAD database at a frequency of 0.01% (22 heterozygotes). This variant has not been previously reported in clinical cases. Functional studies have demonstrated very low levels of ERCC1 recruitment to UV-damaged patient cells and a defect in nucleotide excision repair in this patient's cell line. Based on the information available at the time of curation and in conjunction with the deletion of exon 4, this variant has been classified as PATHOGENIC.

Literature cited by the submitters: PubMed 33315086 (cited by Labcorp Genetics (formerly Invitae), Labcorp).